The following is an entry in ClinVar:

NM_000392.5(ABCC2):c.524A>C (p.Gln175Pro)

Gene: ABCC2 (ATP binding cassette subfamily C member 2; plus strand). Cytogenetic location: 10q24.2.
Variant type: single nucleotide variant.
Coding change: c.524A>C on transcript NM_000392.5 (MANE Select); coding-DNA position 524, A replaced by C.
Protein change: p.Gln175Pro; replaces glutamine 175 with proline.
Molecular consequence: missense variant.
Genome position (GRCh38, 1-based): chr10:99,793,947, A>C. VCF-style: chr10-99793947-A-C. GRCh37 (hg19) VCF-style: chr10-101553704-A-C.
Other names: short protein forms Q175P.
Identifiers: ClinVar variation 3234475 (VCV003234475.20), dbSNP rs752628817, ClinGen allele CA378102916.

ClinVar aggregate classification (germline): Uncertain significance (1 of 4 stars; one submission).

Submission:

CeGaT Center for Human Genetics Tuebingen
Classification: Uncertain significance. Last evaluated: 2024-04-01. Review status: criteria provided, single submitter. Criteria: CeGaT Center For Human Genetics Tuebingen Variant Classification Criteria Version 2. Collection method: clinical testing. Allele origin: germline. Affected: yes. Observed: 1 variant allele.
Comment: ABCC2: PM2, PM3:Supporting, PP4, BP4